The following is an entry in ClinVar:

NM_006904.7(PRKDC):c.4785C>A (p.Ala1595=)

Gene: PRKDC (protein kinase, DNA-activated, catalytic subunit; minus strand). Cytogenetic location: 8q11.21.
Variant type: single nucleotide variant.
Coding change: c.4785C>A on transcript NM_006904.7 (MANE Select); coding-DNA position 4785, C replaced by A.
Protein change: p.Ala1595=; no amino-acid change (alanine 1595 retained).
Molecular consequence: synonymous variant.
Genome position (GRCh38, 1-based): chr8:47,882,089, G>T on the plus strand (C>A on the coding strand, the complement: PRKDC is on the minus strand). VCF-style: chr8-47882089-G-T. GRCh37 (hg19) VCF-style: chr8-48794650-G-T.
Other names: c.4785C>A, p.Ala1595= (NM_001081640.2).
Identifiers: ClinVar variation 1564587 (VCV001564587.25), dbSNP rs769950590, ClinGen allele CA4740792.

ClinVar aggregate classification (germline): Likely benign. Review status: criteria provided, multiple submitters, no conflicts (2 of 4 stars). 3 submissions from 3 submitters: Likely benign (3). Last evaluated 2025-07-20.

Conditions:
Severe combined immunodeficiency due to DNA-PKcs deficiency. Also called: IMMUNODEFICIENCY 26 WITH NEUROLOGIC ABNORMALITIES; Immunodeficiency 26 with or without neurologic abnormalities. Identifiers: Orphanet 317425, MedGen C4014833, MONDO:0014423, OMIM 615966.

gnomAD v4.1: 194 of 1,607,976 alleles (0.012%); highest among the groups gnomAD compares: South Asian, 0.21%; 4 homozygotes.

Submissions (3):

Labcorp Genetics (formerly Invitae), Labcorp
Classification: Likely benign for Severe combined immunodeficiency due to DNA-PKcs deficiency. Last evaluated: 2025-07-20. Review status: criteria provided, single submitter. Criteria: Invitae Variant Classification Sherloc (09022015). Collection method: clinical testing. Allele origin: germline.

Blueprint Genetics
Classification: Likely benign. Last evaluated: 2024-10-25. Review status: criteria provided, single submitter. Criteria: ACMG Guidelines, 2015. Collection method: clinical testing. Allele origin: germline.

CeGaT Center for Human Genetics Tuebingen
Classification: Likely benign. Last evaluated: 2024-08-01. Review status: criteria provided, single submitter. Criteria: CeGaT Center For Human Genetics Tuebingen Variant Classification Criteria Version 2. Collection method: clinical testing. Allele origin: germline. Affected: yes. Observed: 1 variant allele.
Comment: PRKDC: BP4, BP7